The following is an entry in ClinVar:

NM_001243133.2(NLRP3):c.2744T>G (p.Leu915Arg)

Gene: NLRP3 (NLR family pyrin domain containing 3; plus strand). Cytogenetic location: 1q44.
Variant type: single nucleotide variant.
Coding change: c.2744T>G on transcript NM_001243133.2 (MANE Select); coding-DNA position 2744, T replaced by G.
Protein change: p.Leu915Arg; replaces leucine 915 with arginine.
Molecular consequence: missense variant.
Genome position (GRCh38, 1-based): chr1:247,444,052, T>G. VCF-style: chr1-247444052-T-G. GRCh37 (hg19) VCF-style: chr1-247607354-T-G.
Other names: c.2744T>G, p.Leu915Arg (NM_001079821.3); c.2573T>G, p.Leu858Arg (NM_001127461.3, NM_001127462.3); c.2750T>G, p.Leu917Arg (NM_004895.5); c.2402T>G, p.Leu801Arg (NM_183395.3); short protein forms L801R, L858R, L915R, L917R.
Identifiers: ClinVar variation 1314051 (VCV001314051.3), dbSNP rs2103233077, ClinGen allele CA345565055.
Genomic context (GRCh38, chr1:247,444,052, plus strand): 5'-CGTCAGTCTGTTGTTCAGCTTTGTCCTCGGTACTCAGCACTAATCAGAATCTCACGCACC[T>G]TTACCTGCGAGGCAACACTCTCGGAGACAAGGGGATCAAACTACTCTGTGAGGGACTCTT-3'
Protein context (NP_001230062.1, residues 905-925): VLSTNQNLTH[Leu915Arg]YLRGNTLGDK

ClinVar aggregate classification (germline): Uncertain significance. Review status: criteria provided, multiple submitters, no conflicts (2 of 4 stars). 2 submissions from 2 submitters: Uncertain significance (2). Last evaluated 2024-10-31.

Conditions:
NLRP3-related disorder. Also called: NLRP3-related condition; NLRP3-Related Disorders.

Submissions (2):

PreventionGenetics, part of Exact Sciences
Classification: Uncertain significance for NLRP3-related condition. Last evaluated: 2024-10-31. Review status: criteria provided, single submitter. Criteria: ACMG Guidelines, 2015. Collection method: clinical testing. Allele origin: germline.
Comment: The NLRP3 c.2750T>G variant is predicted to result in the amino acid substitution p.Leu917Arg. To our knowledge, this variant has not been reported in the literature or in a large population database (gnomAD), indicating this variant is rare. At this time, the clinical significance of this variant is uncertain due to the absence of conclusive functional and genetic evidence.

GeneDx
Classification: Uncertain significance. Last evaluated: 2021-01-14. Review status: criteria provided, single submitter. Criteria: GeneDx Variant Classification Process June 2021. Collection method: clinical testing. Allele origin: germline. Affected: yes.
Comment: Not observed in large population cohorts (Lek et al., 2016); In silico analysis supports that this missense variant has a deleterious effect on protein structure/function; Has not been previously published as pathogenic or benign to our knowledge